The following is an entry in ClinVar:

ClinVar aggregate classification (germline): Pathogenic. Review status: reviewed by expert panel (3 of 4 stars). 4 submissions from 4 submitters: Pathogenic (1). 3 of the submissions do not count toward it. Last evaluated 2017-12-15.

Conditions:
Hereditary breast ovarian cancer syndrome. Also called: Hereditary breast and ovarian cancer syndrome; Hereditary breast and ovarian cancer; Hereditary breast and ovarian cancer syndrome (HBOC); Breast and ovarian cancer; Hereditary breast and/or ovarian cancer syndrome; BRCA1- and BRCA2-Associated Hereditary Breast and Ovarian Cancer. Identifiers: Orphanet 145, MedGen C0677776, MeSH D061325, MONDO:0003582. Disease mechanism: loss of function.
Breast-ovarian cancer, familial, susceptibility to, 2 (BROVCA2). Also called: BRCA2 Hereditary Breast and Ovarian Cancer. Identifiers: Orphanet 145, MedGen C2675520, MONDO:0012933, OMIM 612555. Disease mechanism: loss of function.
Hereditary cancer-predisposing syndrome. Also called: Neoplastic Syndromes, Hereditary; Tumor predisposition; Hereditary Cancer Syndrome; Hereditary neoplastic syndrome. Identifiers: Orphanet 140162, MedGen C0027672, MeSH D009386, MONDO:0015356.

Submissions (4):

Evidence-based Network for the Interpretation of Germline Mutant Alleles (ENIGMA)
Classification: Pathogenic for Breast-ovarian cancer, familial, susceptibility to, 2. Last evaluated: 2017-12-15. Review status: reviewed by expert panel. Criteria: ENIGMA BRCA1/2 Classification Criteria (2017-06-29). Collection method: curation. Allele origin: germline. Study: ENIGMA.
Comment: Variant allele predicted to encode a truncated non-functional protein.

Labcorp Genetics (formerly Invitae), Labcorp
Classification: Pathogenic for Hereditary breast ovarian cancer syndrome. Last evaluated: 2023-10-03. Review status: criteria provided, single submitter. Criteria: Invitae Variant Classification Sherloc (09022015). Collection method: clinical testing. Allele origin: germline. Not counted in ClinVar's aggregate classification.
Comment: This sequence change creates a premature translational stop signal (p.Lys1032Asnfs*5) in the BRCA2 gene. It is expected to result in an absent or disrupted protein product. Loss-of-function variants in BRCA2 are known to be pathogenic (PMID: 20104584). Information on the frequency of this variant in the gnomAD database is not available, as this variant may be reported differently in the database. This variant has not been reported in the literature in individuals affected with BRCA2-related conditions. For these reasons, this variant has been classified as Pathogenic.

Ambry Genetics
Classification: Pathogenic for Hereditary cancer-predisposing syndrome. Last evaluated: 2021-03-29. Review status: criteria provided, single submitter. Criteria: Ambry Variant Classification Scheme 2023. Collection method: clinical testing. Allele origin: germline. Not counted in ClinVar's aggregate classification.
Comment: The c.3096_3110del15insT pathogenic mutation, located in coding exon 10 of the BRCA2 gene, results from the deletion of 15 nucleotides and insertion of one nucleotide causing a translational frameshift with a predicted alternate stop codon (p.K1032Nfs*5). This mutation has been reported in at least two Korean ovarian cancer patients (Kim H et al. Breast Cancer Res Treat, 2012 Aug;134:1315-26; Eoh KJ et al. Cancer Res Treat, 2018 Jul;50:917-925). In addition to the clinical data presented in the literature, this alteration is expected to result in loss of function by premature protein truncation or nonsense-mediated mRNA decay. As such, this alteration is interpreted as a disease-causing mutation.

GeneDx
Classification: Pathogenic. Last evaluated: 2017-06-05. Review status: criteria provided, single submitter. Criteria: GeneDx Variant Classification (06012015). Collection method: clinical testing. Allele origin: germline. Affected: yes. Not counted in ClinVar's aggregate classification.
Comment: This combined deletion and insertion is denoted BRCA2 c.3096_3110del15insT at the cDNA level and p.Lys1032AsnfsX5 (K1032NfsX5) at the protein level. The normal sequence, with the bases that are deleted in braces and inserted in brackets, is TCAA[del15][T]ATAT. The variant causes a frameshift which changes a Lysine to an Asparagine at codon 1032, and creates a premature stop codon at position 5 of the new reading frame. This variant is predicted to cause loss of normal protein function through either protein truncation or nonsense-mediated mRNA decay. BRCA2 c.3096_3110del15insT, also defined as 3324_3338del15insT using alternate nomenclature, has been reported in at least one individual with breast cancer (Kim 2012). We consider this variant to be pathogenic.

Literature cited by the submitters: PubMed 20104584 (cited by Labcorp Genetics (formerly Invitae), Labcorp); PubMed 22798144 (cited by Ambry Genetics); PubMed 29020732 (cited by Ambry Genetics).

NM_000059.4(BRCA2):c.3096_3110delinsT (p.Lys1032fs)

Gene: BRCA2 (BRCA2 DNA repair associated; plus strand). Cytogenetic location: 13q13.1.
Variant type: Indel.
Coding change: c.3096_3110delinsT on transcript NM_000059.4 (MANE Select); coding-DNA positions 3096 to 3110, AGATATTGAAGAACA replaced by T.
Protein change: p.Lys1032fs; shifts the reading frame from lysine 1032.
Molecular consequence: frameshift variant.
Genome position (GRCh38, 1-based): chr13:32,337,451-32,337,465, AGATATTGAAGAACA replaced by T. VCF-style: chr13-32337451-AGATATTGAAGAACA-T. GRCh37 (hg19) VCF-style: chr13-32911588-AGATATTGAAGAACA-T.
Other names: c.3096_3110delAGATATTGAAGAACAinsT (NM_000059.3); short protein forms K1032fs.
Identifiers: ClinVar variation 51399 (VCV000051399.9), dbSNP rs397507655, ClinGen allele CA017232.
Genomic context (GRCh38, chr13:32,337,451, plus strand): 5'-TTCAAATAAGGAAATCAAGCTCTCTGAACATAACATTAAGAAGAGCAAAATGTTCTTCAA[AGATATTGAAGAACA>T]ATATCCTACTAGTTTAGCTTGTGTTGAAATTGTAAATACCTTGGCATTAGATAATCAAAA-3'